The following is an entry in ClinVar:

NM_015378.4(VPS13D):c.183T>C (p.Ile61=)

Gene: VPS13D (vacuolar protein sorting 13 homolog D; plus strand). Cytogenetic location: 1p36.22.
Variant type: single nucleotide variant.
Coding change: c.183T>C on transcript NM_015378.4 (MANE Select); coding-DNA position 183, T replaced by C.
Protein change: p.Ile61=; no amino-acid change (isoleucine 61 retained).
Molecular consequence: synonymous variant.
Genome position (GRCh38, 1-based): chr1:12,244,253, T>C. VCF-style: chr1-12244253-T-C. GRCh37 (hg19) VCF-style: chr1-12304310-T-C.
Other names: c.183T>C, p.Ile61= (NM_018156.4).
Identifiers: ClinVar variation 3048431 (VCV003048431.2), dbSNP rs138252431, ClinGen allele CA601148.

ClinVar aggregate classification (germline): Likely benign (0 of 4 stars; one submission).

Conditions:
VPS13D-related disorder. Also called: VPS13D-related condition.

Allele frequency attached by ClinVar (database versions not stated): TOPMed below 0.00001; gnomAD 0.00001; gnomAD exomes 0.00002; ExAC 0.00003; 1000 Genomes Project 0.00020; 1000 Genomes Project 30x 0.00031.
gnomAD v4.1: 24 of 1,609,458 alleles (0.0015%); highest among the groups gnomAD compares: East Asian, 0.051%; no homozygotes.

Submission:

PreventionGenetics, part of Exact Sciences
Classification: Likely benign for VPS13D-related condition. Last evaluated: 2019-12-16. Review status: no assertion criteria provided. Collection method: clinical testing. Allele origin: germline.
Comment: This variant is classified as likely benign based on ACMG/AMP sequence variant interpretation guidelines (Richards et al. 2015 PMID: 25741868, with internal and published modifications).